The following is an entry in ClinVar:

NM_014319.5(LEMD3):c.356_378del (p.Leu119fs)

Genes: LEMD3 (LEM domain containing 3; plus strand), LOC130008224 (ATAC-STARR-seq lymphoblastoid silent region 4630; plus strand). Cytogenetic location: 12q14.3.
Variant type: Deletion.
Coding change: c.356_378del on transcript NM_014319.5 (MANE Select); coding-DNA positions 356 to 378, 23 bases deleted (TGGGAGGGCCCGGGGGCGCCTCC).
Protein change: p.Leu119fs; shifts the reading frame from leucine 119.
Molecular consequence: frameshift variant.
Genome position (GRCh38, 1-based): chr12:65,169,952-65,169,974, TGGGAGGGCCCGGGGGCGCCTCC deleted; deleting any 23 consecutive bases within chr12:65,169,946-65,169,974 gives the same sequence; the c. name uses the placement nearest the transcript's 3' end. VCF-style (leftmost placement, unchanged base first): chr12-65169945-AGCCTCCTGGGAGGGCCCGGGGGC-A. GRCh37 (hg19) VCF-style: chr12-65563725-AGCCTCCTGGGAGGGCCCGGGGGC-A.
Other names: c.356_378del, p.Leu119fs (NM_001167614.2); short protein forms L119fs.
Identifiers: ClinVar variation 2697768 (VCV002697768.3), dbSNP rs2498938244, ClinGen allele CA2697559345.
Genomic context (GRCh38, chr12:65,169,945, plus strand): 5'-GACCTCTCCTACTTACGGACTCCTGGGGGCCTGTGCCGAATCTCGGCCTCTGGCCCAGAG[AGCCTCCTGGGAGGGCCCGGGGGC>A]GCCTCCGCCGCCCCCGCGGCTGGCAGCAAAGTGCTGCTGGGCTTCAGCTCGGACGAGTCG-3'

ClinVar aggregate classification (germline): Pathogenic (1 of 4 stars; one submission).

Submission:

Labcorp Genetics (formerly Invitae), Labcorp
Classification: Pathogenic. Last evaluated: 2024-01-19. Review status: criteria provided, single submitter. Criteria: Invitae Variant Classification Sherloc (09022015). Collection method: clinical testing. Allele origin: germline.
Comment: This sequence change creates a premature translational stop signal (p.Leu119Argfs*58) in the LEMD3 gene. It is expected to result in an absent or disrupted protein product. Loss-of-function variants in LEMD3 are known to be pathogenic (PMID: 15489854, 19438932). This variant is not present in population databases (gnomAD no frequency). This variant has not been reported in the literature in individuals affected with LEMD3-related conditions. For these reasons, this variant has been classified as Pathogenic.

Literature cited by the submitters: PubMed 15489854; PubMed 19438932.